The following is an entry in ClinVar:

ClinVar aggregate classification (germline): Uncertain significance (1 of 4 stars; one submission).

Submission:

Labcorp Genetics (formerly Invitae), Labcorp
Classification: Uncertain significance. Last evaluated: 2021-10-24. Review status: criteria provided, single submitter. Criteria: Invitae Variant Classification Sherloc (09022015). Collection method: clinical testing. Allele origin: germline.
Comment: In summary, the available evidence is currently insufficient to determine the role of this variant in disease. Therefore, it has been classified as a Variant of Uncertain Significance. Algorithms developed to predict the effect of missense changes on protein structure and function output the following: SIFT: "Tolerated"; PolyPhen-2: "Benign"; Align-GVGD: "Class C0". The arginine amino acid residue is found in multiple mammalian species, which suggests that this missense change does not adversely affect protein function. This variant has not been reported in the literature in individuals affected with ATP6AP1-related conditions. The frequency data for this variant in the population databases is considered unreliable, as metrics indicate insufficient coverage at this position in the ExAC database. This sequence change replaces proline with arginine at codon 24 of the ATP6AP1 protein (p.Pro24Arg). The proline residue is weakly conserved and there is a moderate physicochemical difference between proline and arginine.

NM_001183.6(ATP6AP1):c.71C>G (p.Pro24Arg)

Gene: ATP6AP1 (ATPase H+ transporting accessory protein 1; plus strand). Cytogenetic location: Xq28.
Variant type: single nucleotide variant.
Coding change: c.71C>G on transcript NM_001183.6 (MANE Select); coding-DNA position 71, C replaced by G.
Protein change: p.Pro24Arg; replaces proline 24 with arginine.
Molecular consequence: missense variant.
Genome position (GRCh38, 1-based): chrX:154,428,763, C>G. VCF-style: chrX-154428763-C-G. GRCh37 (hg19) VCF-style: chrX-153657109-C-G.
Other names: short protein forms P24R.
Identifiers: ClinVar variation 1488319 (VCV001488319.6), dbSNP rs1432010564, ClinGen allele CA415187517.